The following is an entry in ClinVar:

ClinVar aggregate classification (germline): Uncertain significance (1 of 4 stars; one submission).

gnomAD v4.1: 3 of 1,613,906 alleles (0.00019%); highest among the groups gnomAD compares: Non-Finnish European, 0.00025%; no homozygotes.

Submission:

Women's Health and Genetics/Laboratory Corporation of America, LabCorp
Classification: Uncertain significance. Last evaluated: 2026-04-28. Review status: criteria provided, single submitter. Criteria: LabCorp Variant Classification Summary - May 2015. Collection method: clinical testing. Allele origin: germline.
Comment: Variant summary: KMT2C c.12235C>G (p.Leu4079Val) results in a conservative amino acid change in the encoded protein sequence. Algorithms developed to predict the effect of missense changes on protein structure and function are either unavailable or do not agree on the potential impact of this missense change. The variant allele was found at a frequency of 4e-06 in 251406 control chromosomes. The available data on variant occurrences in the general population are insufficient to allow any conclusion about variant significance. To our knowledge, no occurrence of c.12235C>G in individuals affected with KMT2C-related conditions and no experimental evidence demonstrating its impact on protein function have been reported. No submitters have cited clinical-significance assessments for this variant to ClinVar. Based on the evidence outlined above, the variant was classified as uncertain significance.

NM_170606.3(KMT2C):c.12235C>G (p.Leu4079Val)

Gene: KMT2C (lysine methyltransferase 2C; minus strand). Cytogenetic location: 7q36.1.
Variant type: single nucleotide variant.
Coding change: c.12235C>G on transcript NM_170606.3 (MANE Select); coding-DNA position 12235, C replaced by G.
Protein change: p.Leu4079Val; replaces leucine 4079 with valine.
Molecular consequence: missense variant.
Genome position (GRCh38, 1-based): chr7:152,154,051, G>C on the plus strand (C>G on the coding strand, the complement: KMT2C is on the minus strand). VCF-style: chr7-152154051-G-C. GRCh37 (hg19) VCF-style: chr7-151851136-G-C.
Other names: short protein forms L4079V.
Identifiers: ClinVar variation 4848849 (VCV004848849.1).